The following is an entry in ClinVar:

ClinVar aggregate classification (germline): Uncertain significance. Review status: criteria provided, multiple submitters, no conflicts (2 of 4 stars). 6 submissions from 6 submitters: Uncertain significance (6). Last evaluated 2025-02-16.

Conditions:
Microcephaly 5, primary, autosomal recessive (MCPH5). Also called: ASPM Primary Microcephaly. Identifiers: Orphanet 2512, MedGen C1837501, MONDO:0012106, OMIM 608716.

Allele frequency attached by ClinVar (database versions not stated): gnomAD 0.00003 and 0.00004; gnomAD exomes 0.00003 and 0.00004; TOPMed 0.00003; ExAC 0.00006; 1000 Genomes Project 30x 0.00031; 1000 Genomes Project 0.00040.
gnomAD v4.1: 51 of 1,613,324 alleles (0.0032%); highest among the groups gnomAD compares: Middle Eastern, 0.066%; no homozygotes.

Submissions (6):

Laboratory of Genetics, Children's Clinical University Hospital Latvia
Classification: Uncertain significance. Last evaluated: 2025-02-16. Review status: criteria provided, single submitter. Criteria: ACMG Guidelines, 2015. Collection method: clinical testing. Allele origin: germline. Affected: yes.

Labcorp Genetics (formerly Invitae), Labcorp
Classification: Uncertain significance. Last evaluated: 2023-11-09. Review status: criteria provided, single submitter. Criteria: Invitae Variant Classification Sherloc (09022015). Collection method: clinical testing. Allele origin: germline.
Comment: This sequence change replaces arginine, which is basic and polar, with cysteine, which is neutral and slightly polar, at codon 942 of the ASPM protein (p.Arg942Cys). This variant is present in population databases (rs546095187, gnomAD 0.01%). This variant has not been reported in the literature in individuals affected with ASPM-related conditions. ClinVar contains an entry for this variant (Variation ID: 493058). Advanced modeling of protein sequence and biophysical properties (such as structural, functional, and spatial information, amino acid conservation, physicochemical variation, residue mobility, and thermodynamic stability) performed at Invitae indicates that this missense variant is not expected to disrupt ASPM protein function with a negative predictive value of 80%. In summary, the available evidence is currently insufficient to determine the role of this variant in disease. Therefore, it has been classified as a Variant of Uncertain Significance.

Genome-Nilou Lab
Classification: Uncertain significance for Microcephaly 5, primary, autosomal recessive. Last evaluated: 2023-04-11. Review status: criteria provided, single submitter. Criteria: ACMG Guidelines, 2015. Collection method: clinical testing. Allele origin: germline. Affected: no.

Victorian Clinical Genetics Services, Murdoch Childrens Research Institute
Classification: Uncertain significance for Microcephaly 5, primary, autosomal recessive. Last evaluated: 2020-07-02. Review status: criteria provided, single submitter. Criteria: ACMG Guidelines, 2015. Collection method: clinical testing. Allele origin: germline. Inheritance: Autosomal recessive inheritance. Affected: yes.
Comment: Based on the classification scheme VCGS_Germline_v1.1.1, this variant is classified as 3B-VUS. Following criteria are met: 0102 - Loss-of-function is a known mechanism of disease for this gene. Disease-associated missense variants in this gene are rare but they have been reported (ClinVar, PMIDs: 20978018, 28004384). (N) 0106 - This gene is known to be associated with autosomal recessive disease. (N) 0200 - Variant is predicted to result in a missense amino acid change from arginine to cysteine (exon 10). (N) 0251 - Variant is heterozygous. (N) 0304 - Variant is present in gnomAD v2 <0.01 for a recessive condition (13 heterozygotes, 0 homozygotes). (P) 0309 - An alternative amino acid change at the same position has been observed in gnomAD (p.(Arg942Cys), 10 heterozygote, 0 homozygotes). (N) 0501 - Missense variant consistently predicted to be damaging by multiple in silico tools or highly conserved with a major amino acid change. (P) 0600 - Variant is located in an annotated domain or motif (Calponin-homology 1; PDB) (N) 0705 - No comparable variants have previous evidence for pathogenicity. (N) 0804 - Variant has previously been described as variant of uncertain significance once (ClinVar). (N) 0905 - No segregation evidence has been identified for this variant. (N) 1007 - No published functional evidence has been identified for this variant. (N) 1208 - Inheritance information for this variant is not currently available. (N) Legend: (P) - Pathogenic, (N) - Neutral, (B) - Benign

Baylor Genetics
Classification: Uncertain significance for Microcephaly 5, primary, autosomal recessive. Last evaluated: 2018-06-13. Review status: criteria provided, single submitter. Criteria: ACMG Guidelines, 2015. Collection method: clinical testing. Allele origin: maternal. Affected: yes.
Comment: This variant was determined to be of uncertain significance according to ACMG Guidelines, 2015 [PMID:25741868].

CeGaT Center for Human Genetics Tuebingen
Classification: Uncertain significance. Last evaluated: 2017-10-01. Review status: criteria provided, single submitter. Criteria: CeGaT Center For Human Genetics Tuebingen Variant Classification Criteria Version 2. Collection method: clinical testing. Allele origin: germline. Affected: yes. Observed: 1 variant allele.

Literature cited by the submitters: PubMed 20978018 (cited by Victorian Clinical Genetics Services, Murdoch Childrens Research Institute); PubMed 28004384 (cited by Victorian Clinical Genetics Services, Murdoch Childrens Research Institute).

NM_018136.5(ASPM):c.2824C>T (p.Arg942Cys)

Gene: ASPM (assembly factor for spindle microtubules; minus strand). Cytogenetic location: 1q31.3.
Variant type: single nucleotide variant.
Coding change: c.2824C>T on transcript NM_018136.5 (MANE Select); coding-DNA position 2824, C replaced by T.
Protein change: p.Arg942Cys; replaces arginine 942 with cysteine.
Molecular consequence: missense variant.
Genome position (GRCh38, 1-based): chr1:197,128,602, G>A on the plus strand (C>T on the coding strand, the complement: ASPM is on the minus strand). VCF-style: chr1-197128602-G-A. GRCh37 (hg19) VCF-style: chr1-197097732-G-A.
Other names: c.2824C>T, p.Arg942Cys (NM_001206846.2); short protein forms R942C.
Identifiers: ClinVar variation 493058 (VCV000493058.50), dbSNP rs546095187, ClinGen allele CA1310339.